The following is an entry in ClinVar:

ClinVar aggregate classification (germline): Uncertain significance (1 of 4 stars; one submission).

Submission:

GeneDx
Classification: Uncertain significance. Last evaluated: 2026-09-04. Review status: criteria provided, single submitter. Criteria: GeneDx Variant Classification Process June 2021. Collection method: clinical testing. Allele origin: germline.
Comment: Not observed at significant frequency in large population cohorts (gnomAD); In silico analysis suggests that this missense variant does not alter protein structure/function; Has not been previously published as pathogenic or benign to our knowledge

NM_006950.3(SYN1):c.338C>A (p.Ser113Tyr)

Gene: SYN1 (synapsin I; minus strand). Cytogenetic location: Xp11.23.
Variant type: single nucleotide variant.
Coding change: c.338C>A on transcript NM_006950.3 (MANE Select); coding-DNA position 338, C replaced by A.
Protein change: p.Ser113Tyr; replaces serine 113 with tyrosine.
Molecular consequence: missense variant.
Genome position (GRCh38, 1-based): chrX:47,619,391, G>T on the plus strand (C>A on the coding strand, the complement: SYN1 is on the minus strand). VCF-style: chrX-47619391-G-T. GRCh37 (hg19) VCF-style: chrX-47478790-G-T.
Other names: c.338C>A, p.Ser113Tyr (NM_133499.2); short protein forms S113Y.
Identifiers: ClinVar variation 3370857 (VCV003370857.2).